The following is an entry in ClinVar:

NM_182914.3(SYNE2):c.12001T>C (p.Trp4001Arg)

Gene: SYNE2 (spectrin repeat containing nuclear envelope protein 2; plus strand). Cytogenetic location: 14q23.2.
Variant type: single nucleotide variant.
Coding change: c.12001T>C on transcript NM_182914.3 (MANE Select); coding-DNA position 12001, T replaced by C.
Protein change: p.Trp4001Arg; replaces tryptophan 4001 with arginine.
Molecular consequence: missense variant.
Genome position (GRCh38, 1-based): chr14:64,093,373, T>C. VCF-style: chr14-64093373-T-C. GRCh37 (hg19) VCF-style: chr14-64560091-T-C.
Other names: c.12001T>C, p.Trp4001Arg (NM_015180.6); short protein forms W4001R.
Identifiers: ClinVar variation 130462 (VCV000130462.29), dbSNP rs2792205, ClinGen allele CA155514.

ClinVar aggregate classification (germline): Benign. Review status: criteria provided, multiple submitters, no conflicts (2 of 4 stars). 9 submissions from 9 submitters: Benign (6). 3 of the submissions do not count toward it. Last evaluated 2025-12-29.

Conditions:
Emery-Dreifuss muscular dystrophy 5, autosomal dominant (EDMD5). Also called: EMERY-DREIFUSS MUSCULAR DYSTROPHY 5. Identifiers: Orphanet 261, MedGen C2751805, MONDO:0013072, OMIM 612999.

Allele frequency attached by ClinVar (database versions not stated): gnomAD exomes 0.07035 and 0.08587; ESP Exome Variant Server 0.07766; ExAC 0.08738; gnomAD 0.08782 and 0.08968; TOPMed 0.09097; 1000 Genomes Project 30x 0.12305; 1000 Genomes Project 0.12360.
gnomAD v4.1: 117,300 of 1,612,466 alleles (7.3%); highest among the groups gnomAD compares: South Asian, 14%; 5,112 homozygotes.

Submissions (9):

Labcorp Genetics (formerly Invitae), Labcorp
Classification: Benign for Emery-Dreifuss muscular dystrophy 5, autosomal dominant. Last evaluated: 2025-12-29. Review status: criteria provided, single submitter. Criteria: Invitae Variant Classification Sherloc (09022015). Collection method: clinical testing. Allele origin: germline.

Athena Diagnostics
Classification: Benign. Last evaluated: 2023-12-12. Review status: criteria provided, single submitter. Criteria: Athena Diagnostics Criteria. Collection method: clinical testing. Allele origin: unknown.

GeneDx
Classification: Benign. Last evaluated: 2018-07-09. Review status: criteria provided, single submitter. Criteria: GeneDx Variant Classification Process June 2021. Collection method: clinical testing. Allele origin: germline. Affected: yes.

Illumina Laboratory Services, Illumina
Classification: Benign for Emery-Dreifuss muscular dystrophy 5, autosomal dominant. Last evaluated: 2018-01-13. Review status: criteria provided, single submitter. Criteria: ICSL Variant Classification Criteria 13 December 2019. Collection method: clinical testing. Allele origin: germline.
Comment: This variant was observed in the ICSL laboratory as part of a predisposition screen in an ostensibly healthy population. It had not been previously curated by ICSL or reported in the Human Gene Mutation Database (HGMD: prior to June 1st, 2018), and was therefore a candidate for classification through an automated scoring system. Utilizing variant allele frequency, disease prevalence and penetrance estimates, and inheritance mode, an automated score was calculated to assess if this variant is too frequent to cause the disease. Based on the score and internal cut-off values, a variant classified as benign is not then subjected to further curation. The score for this variant resulted in a classification of benign for this disease.

Eurofins Ntd Llc (ga)
Classification: Benign. Last evaluated: 2015-10-29. Review status: criteria provided, single submitter. Criteria: EGL Classification Definitions 2015. Collection method: clinical testing. Allele origin: germline. Observed: 1 variant allele, 1 heterozygote.

Breakthrough Genomics
Classification: Benign. Review status: criteria provided, single submitter. Criteria: ACMG Guidelines, 2015. Collection method: not provided. Allele origin: germline. Inheritance: Autosomal dominant inheritance. Affected: yes.

Clinical Genetics, Academic Medical Center
Classification: Benign. Review status: no assertion criteria provided. Collection method: clinical testing. Allele origin: germline. Affected: yes. Study: VKGL Data-share Consensus. Not counted in ClinVar's aggregate classification.

Diagnostic Laboratory, Department of Genetics, University Medical Center Groningen
Classification: Benign for Emery-Dreifuss muscular dystrophy 5, autosomal dominant. Review status: no assertion criteria provided. Collection method: clinical testing. Allele origin: germline. Affected: yes. Study: VKGL Data-share Consensus. Not counted in ClinVar's aggregate classification.

Genetic Services Laboratory, University of Chicago
Classification: Likely benign for AllHighlyPenetrant. Review status: no assertion criteria provided. Collection method: clinical testing. Allele origin: germline. Inheritance: Autosomal dominant inheritance. Not counted in ClinVar's aggregate classification.
Comment: Likely benign based on allele frequency in 1000 Genomes Project or ESP global frequency and its presence in a patient with a rare or unrelated disease phenotype. NOT Sanger confirmed.